The following is an entry in ClinVar:

NM_003590.5(CUL3):c.*2073A>G

Gene: CUL3 (cullin 3; minus strand). Cytogenetic location: 2q36.2.
Variant type: single nucleotide variant.
Coding change: c.*2073A>G on transcript NM_003590.5 (MANE Select); 2073 bases downstream of the stop codon, A replaced by G.
Molecular consequence: 3 prime UTR variant.
Genome position (GRCh38, 1-based): chr2:224,472,172, T>C on the plus strand (A>G on the coding strand, the complement: CUL3 is on the minus strand). VCF-style: chr2-224472172-T-C. GRCh37 (hg19) VCF-style: chr2-225336889-T-C.
Other names: c.*2073A>G (NM_001257197.2, NM_001257198.2).
Identifiers: ClinVar variation 334606 (VCV000334606.7), dbSNP rs10498161, ClinGen allele CA10614370.

ClinVar aggregate classification (germline): Benign. Review status: criteria provided, multiple submitters, no conflicts (2 of 4 stars). 2 submissions from 2 submitters: Benign (2). Last evaluated 2018-01-13.

Conditions:
Pseudohypoaldosteronism type 2E (PHA2E). Also called: Pseudohypoaldosteronism Type IIE. Identifiers: Orphanet 300530, Orphanet 757, MedGen C3469606, MONDO:0013782, OMIM 614496.

Allele frequency attached by ClinVar (database versions not stated): gnomAD 0.18179 and 0.18496; TOPMed 0.19072; 1000 Genomes Project 30x 0.23220; 1000 Genomes Project 0.23303.
gnomAD v4.1: 40,169 of 226,464 alleles (18%); highest among the groups gnomAD compares: East Asian, 29%; 4,106 homozygotes.

Submissions (2):

Illumina Laboratory Services, Illumina
Classification: Benign for Pseudohypoaldosteronism type 2E. Last evaluated: 2018-01-13. Review status: criteria provided, single submitter. Criteria: ICSL Variant Classification Criteria 13 December 2019. Collection method: clinical testing. Allele origin: germline.
Comment: This variant was observed in the ICSL laboratory as part of a predisposition screen in an ostensibly healthy population. It had not been previously curated by ICSL or reported in the Human Gene Mutation Database (HGMD: prior to June 1st, 2018), and was therefore a candidate for classification through an automated scoring system. Utilizing variant allele frequency, disease prevalence and penetrance estimates, and inheritance mode, an automated score was calculated to assess if this variant is too frequent to cause the disease. Based on the score and internal cut-off values, a variant classified as benign is not then subjected to further curation. The score for this variant resulted in a classification of benign for this disease.

Breakthrough Genomics
Classification: Benign. Review status: criteria provided, single submitter. Criteria: ACMG Guidelines, 2015. Collection method: not provided. Allele origin: germline. Inheritance: Autosomal dominant inheritance. Affected: yes.